The following is an entry in ClinVar:

NM_001267550.2(TTN):c.99951T>G (p.Asp33317Glu)

Genes: TTN (titin; minus strand), TTN-AS1 (TTN antisense RNA 1; plus strand), LOC126806420 (BRD4-independent group 4 enhancer GRCh37_chr2:179401104-179402303; plus strand). Cytogenetic location: 2q31.2.
Variant type: single nucleotide variant.
Coding change: c.99951T>G on transcript NM_001267550.2 (MANE Select); coding-DNA position 99951, T replaced by G.
Protein change: p.Asp33317Glu; replaces aspartic acid 33317 with glutamic acid.
Molecular consequence: missense variant.
Genome position (GRCh38, 1-based): chr2:178,537,158, A>C on the plus strand (T>G on the coding strand, the complement: TTN is on the minus strand). VCF-style: chr2-178537158-A-C. GRCh37 (hg19) VCF-style: chr2-179401885-A-C.
Other names: p.D31676E:GAT>GAG; c.95028T>G, p.Asp31676Glu (NM_001256850.1); c.72756T>G, p.Asp24252Glu (NM_003319.4); c.92247T>G, p.Asp30749Glu (NM_133378.4); c.73131T>G, p.Asp24377Glu (NM_133432.3); c.73332T>G, p.Asp24444Glu (NM_133437.4); short protein forms D31676E, D33317E, D24377E, D30749E, D24252E, D24444E.
Identifiers: ClinVar variation 203052 (VCV000203052.2), dbSNP rs794729555, ClinGen allele CA311094.

ClinVar aggregate classification (germline): Uncertain significance (1 of 4 stars; one submission).

Submission:

GeneDx
Classification: Uncertain significance. Last evaluated: 2013-06-05. Review status: criteria provided, single submitter. Criteria: GeneDx Variant Classification (06012015). Collection method: clinical testing. Allele origin: germline. Affected: yes.
Comment: Missense variants in the TTN gene are considered 'unclassified' if they are not previously reported in the literature and do not have >1% frequency in the population to be considered a polymorphism. Research indicates that truncating mutations in the TTN gene are expected to account for approximately 25% of familial and 18% of sporadic idiopathic DCM; however, truncating variants in the TTN gene have been reported in approximately 3% of reported control alleles. There has been little investigation into non-truncating variants. (Herman D et al. Truncations of titin causing dilated cardiomyopathy. N Eng J Med 366:619-628, 2012) The variant is found in DCM panel(s).